The following is an entry in ClinVar:

ClinVar aggregate classification (germline): Uncertain significance (1 of 4 stars; one submission).

Submission:

GeneDx
Classification: Uncertain significance. Last evaluated: 2024-12-22. Review status: criteria provided, single submitter. Criteria: GeneDx Variant Classification Process June 2021. Collection method: clinical testing. Allele origin: germline. Affected: yes.
Comment: Not observed at significant frequency in large population cohorts (gnomAD); In silico analysis supports that this missense variant has a deleterious effect on protein structure/function; Has not been previously published as pathogenic or benign to our knowledge.

NM_016312.3(WBP11):c.526C>G (p.Pro176Ala)

Gene: WBP11 (WW domain binding protein 11; minus strand). Cytogenetic location: 12p12.3.
Variant type: single nucleotide variant.
Coding change: c.526C>G on transcript NM_016312.3 (MANE Select); coding-DNA position 526, C replaced by G.
Protein change: p.Pro176Ala; replaces proline 176 with alanine.
Molecular consequence: missense variant.
Genome position (GRCh38, 1-based): chr12:14,794,732, G>C on the plus strand (C>G on the coding strand, the complement: WBP11 is on the minus strand). VCF-style: chr12-14794732-G-C. GRCh37 (hg19) VCF-style: chr12-14947666-G-C.
Other names: short protein forms P176A.
Identifiers: ClinVar variation 3906424 (VCV003906424.1).